The following is an entry in ClinVar:

NM_007194.4(CHEK2):c.1009-1del

Gene: CHEK2 (checkpoint kinase 2; minus strand). Cytogenetic location: 22q12.1.
Variant type: Deletion.
Coding change: c.1009-1del on transcript NM_007194.4 (MANE Select); the canonical splice acceptor site of the intron before coding-DNA position 1009, one base deleted (G; older notation c.1009-1delG).
Molecular consequence: splice acceptor variant. On other transcripts: intron variant (3).
Genome position (GRCh38, 1-based): chr22:28,696,988, C deleted on the plus strand (G on the coding strand, the reverse complement: CHEK2 is on the minus strand). VCF-style (leftmost placement, unchanged base first): chr22-28696987-AC-A. GRCh37 (hg19) VCF-style: chr22-29092975-AC-A.
Other names: c.346-1del (NM_001437942.1, NM_001257387.3); c.808-1del (NM_001349956.3); c.1009-1115del (NM_145862.3); c.1102-1115del (NM_001438295.1); c.1102-1del (NM_001438293.1); c.1138-1115del (NM_001438294.1); c.1138-1del (NM_001005735.3).
Identifiers: ClinVar variation 3772736 (VCV003772736.1).

ClinVar aggregate classification (germline): Likely pathogenic (1 of 4 stars; one submission).

Conditions:
Familial cancer of breast. Also called: Hereditary breast cancer; BREAST CANCER, FAMILIAL; hereditary breast carcinoma. Identifiers: Orphanet 227535, MedGen C0346153, MONDO:0016419, OMIM 114480. Disease mechanism: loss of function.

Submission:

Myriad Genetics, Inc.
Classification: Likely pathogenic for Familial cancer of breast. Last evaluated: 2024-10-16. Review status: criteria provided, single submitter. Criteria: Myriad Autosomal Dominant, Autosomal Recessive and X-Linked Classification Criteria (2023). Collection method: clinical testing. Allele origin: unknown.
Comment: This variant is considered likely pathogenic. This variant occurs within a consensus splice junction and is predicted to result in abnormal mRNA splicing of either an out-of-frame exon or an in-frame exon necessary for protein stability and/or normal function.